The following is an entry in ClinVar:

ClinVar aggregate classification (germline): Likely pathogenic. Review status: criteria provided, multiple submitters, no conflicts (2 of 4 stars). 2 submissions from 2 submitters: Likely pathogenic (2). Last evaluated 2025-09-04.

Conditions:
Brown-Vialetto-van Laere syndrome 2. Also called: SPINOCEREBELLAR ATAXIA WITH BLINDNESS AND DEAFNESS 2; Riboflavin transporter deficiency type 2. Identifiers: Orphanet 572543, Orphanet 97229, MedGen C3553538, MONDO:0013867, OMIM 614707.

Allele frequency attached by ClinVar (database versions not stated): gnomAD exomes below 0.00001; ExAC 0.00001.

Submissions (2):

First Genomix Gene Laboratory, Genetic Diagnostics Department
Classification: Likely pathogenic for Brown-Vialetto-van Laere syndrome 2. Last evaluated: 2025-09-04. Review status: criteria provided, single submitter. Criteria: ACMG Guidelines, 2015. Collection method: clinical testing. Allele origin: germline. Inheritance: Autosomal recessive inheritance. Affected: no. Observed: 1 variant allele.

GeneDx
Classification: Likely pathogenic. Last evaluated: 2018-01-23. Review status: criteria provided, single submitter. Criteria: GeneDx Variant Classification (06012015). Collection method: clinical testing. Allele origin: germline. Affected: yes.
Comment: The G306E variant in the SLC52A2 gene has not been reported previously as a pathogenic variant, nor as a benign variant, to our knowledge. This variant was not observed in approximately 6500 individuals of European and African American ancestry in the NHLBI Exome Sequencing Project, indicating it is not a common benign variant in these populations. The G306E variant is a non-conservative amino acid substitution, which is likely to impact secondary protein structure as these residues differ in polarity, charge, size and/or other properties. This substitution occurs at a position that is conserved across species, and in silico analysis predicts this variant is probably damaging to the protein structure/function. Missense variants in the same residue (G306R) and a nearby residue (Y305C) have been reported in the Human Gene Mutation Database in association with Brown-Vialetto-Van Laere syndrome (Stenson et al., 2014), supporting the functional importance of this region of the protein. The G306E variant is a strong candidate for a pathogenic variant.

NM_001363118.2(SLC52A2):c.917G>A (p.Gly306Glu)

Gene: SLC52A2 (solute carrier family 52 member 2; plus strand). Cytogenetic location: 8q24.3.
Variant type: single nucleotide variant.
Coding change: c.917G>A on transcript NM_001363118.2 (MANE Select); coding-DNA position 917, G replaced by A.
Protein change: p.Gly306Glu; replaces glycine 306 with glutamic acid.
Molecular consequence: missense variant. On other transcripts: non-coding transcript variant (1).
Genome position (GRCh38, 1-based): chr8:144,360,409, G>A. VCF-style: chr8-144360409-G-A. GRCh37 (hg19) VCF-style: chr8-145584069-G-A.
Other names: c.917G>A, p.Gly306Glu (NM_001253815.2, NM_001253816.2, NM_001363120.2 and 2 more transcripts); c.425G>A, p.Gly142Glu (NM_001363122.2); short protein forms G306E, G142E.
Identifiers: ClinVar variation 246558 (VCV000246558.2), dbSNP rs781923855, ClinGen allele CA4938310.